The following is an entry in ClinVar:

NM_006063.3(KLHL41):c.458C>A (p.Ser153Tyr)

Gene: KLHL41 (kelch like family member 41; plus strand). Cytogenetic location: 2q31.1.
Variant type: single nucleotide variant.
Coding change: c.458C>A on transcript NM_006063.3 (MANE Select); coding-DNA position 458, C replaced by A.
Protein change: p.Ser153Tyr; replaces serine 153 with tyrosine.
Molecular consequence: missense variant.
Genome position (GRCh38, 1-based): chr2:169,510,236, C>A. VCF-style: chr2-169510236-C-A. GRCh37 (hg19) VCF-style: chr2-170366746-C-A.
Other names: short protein forms S153Y.
Identifiers: ClinVar variation 1371920 (VCV001371920.3), dbSNP rs1684010288, ClinGen allele CA349174342.
Genomic context (GRCh38, chr2:169,510,236, plus strand): 5'-GTAACTGTCTAGCCATCCTAAGATTAGGACTTCTTCTTGACTGCCCGAGACTCGCCATTT[C>A]TGCCCGTGAATTTGTGTCTGATCGCTTTGTACAGATTTGTAAGGAAGAGGACTTTATGCA-3'
Protein context (NP_006054.2, residues 143-163): LLLDCPRLAI[Ser153Tyr]AREFVSDRFV

ClinVar aggregate classification (germline): Uncertain significance (1 of 4 stars; one submission).

Conditions:
Nemaline myopathy 9 (NEM9). Identifiers: MedGen C3810384, MONDO:0014326, OMIM 615731.

gnomAD v4.1: 5 of 1,614,052 alleles (0.00031%); highest among the groups gnomAD compares: African/African-American, 0.0013%; no homozygotes.

Submission:

Labcorp Genetics (formerly Invitae), Labcorp
Classification: Uncertain significance for Nemaline myopathy 9. Last evaluated: 2021-09-09. Review status: criteria provided, single submitter. Criteria: Invitae Variant Classification Sherloc (09022015). Collection method: clinical testing. Allele origin: germline.
Comment: This sequence change replaces serine with tyrosine at codon 153 of the KLHL41 protein (p.Ser153Tyr). The serine residue is highly conserved and there is a large physicochemical difference between serine and tyrosine. This variant is not present in population databases (ExAC no frequency). This variant has not been reported in the literature in individuals affected with KLHL41-related conditions. Algorithms developed to predict the effect of missense changes on protein structure and function are either unavailable or do not agree on the potential impact of this missense change (SIFT: "Deleterious"; PolyPhen-2: "Probably Damaging"; Align-GVGD: "Class C15"). In summary, the available evidence is currently insufficient to determine the role of this variant in disease. Therefore, it has been classified as a Variant of Uncertain Significance.